The following is an entry in ClinVar:

ClinVar aggregate classification (germline): Uncertain significance (1 of 4 stars; one submission).

Conditions:
Inflammatory bowel disease 28. Also called: Inflammatory bowel disease 28, early onset, autosomal recessive. Identifiers: Orphanet 238569, MedGen C2751053, MONDO:0013153, OMIM 613148.

Allele frequency attached by ClinVar (database versions not stated): TOPMed 0.00001.

Submission:

Labcorp Genetics (formerly Invitae), Labcorp
Classification: Uncertain significance for Inflammatory bowel disease 28. Last evaluated: 2020-09-15. Review status: criteria provided, single submitter. Criteria: Invitae Variant Classification Sherloc (09022015). Collection method: clinical testing. Allele origin: germline.
Comment: This sequence change replaces valine with methionine at codon 304 of the IL10RA protein (p.Val304Met). The valine residue is moderately conserved and there is a small physicochemical difference between valine and methionine. In summary, the available evidence is currently insufficient to determine the role of this variant in disease. Therefore, it has been classified as a Variant of Uncertain Significance. Algorithms developed to predict the effect of missense changes on protein structure and function output the following: SIFT: "Tolerated"; PolyPhen-2: "Possibly Damaging"; Align-GVGD: "Class C0". The methionine amino acid residue is found in multiple mammalian species, suggesting that this missense change does not adversely affect protein function. These predictions have not been confirmed by published functional studies and their clinical significance is uncertain. This variant has not been reported in the literature in individuals with IL10RA-related conditions. This variant is not present in population databases (ExAC no frequency).

NM_001558.4(IL10RA):c.910G>A (p.Val304Met)

Gene: IL10RA (interleukin 10 receptor subunit alpha; plus strand). Cytogenetic location: 11q23.3.
Variant type: single nucleotide variant.
Coding change: c.910G>A on transcript NM_001558.4 (MANE Select); coding-DNA position 910, G replaced by A.
Protein change: p.Val304Met; replaces valine 304 with methionine.
Molecular consequence: missense variant. On other transcripts: non-coding transcript variant (1).
Genome position (GRCh38, 1-based): chr11:117,998,814, G>A. VCF-style: chr11-117998814-G-A. GRCh37 (hg19) VCF-style: chr11-117869529-G-A.
Other names: short protein forms V304M.
Identifiers: ClinVar variation 1026194 (VCV001026194.8), dbSNP rs1179563256, ClinGen allele CA382779075.